The following is an entry in ClinVar:

NM_020207.7(ERCC6L2):c.5A>G (p.Asp2Gly)

Gene: ERCC6L2 (ERCC excision repair 6 like 2; plus strand). Cytogenetic location: 9q22.32.
Variant type: single nucleotide variant.
Coding change: c.5A>G on transcript NM_020207.7 (MANE Select); coding-DNA position 5, A replaced by G.
Protein change: p.Asp2Gly; replaces aspartic acid 2 with glycine.
Molecular consequence: missense variant. On other transcripts: non-coding transcript variant (1).
Genome position (GRCh38, 1-based): chr9:95,876,043, A>G. VCF-style: chr9-95876043-A-G. GRCh37 (hg19) VCF-style: chr9-98638325-A-G.
Other names: c.5A>G, p.Asp2Gly (NM_001010895.4, NM_001375291.1, NM_001375292.1 and 2 more transcripts); short protein forms D2G.
Identifiers: ClinVar variation 1491274 (VCV001491274.8), dbSNP rs1827240979, ClinGen allele CA374115381.

ClinVar aggregate classification (germline): Uncertain significance (1 of 4 stars; one submission).

Allele frequency attached by ClinVar (database versions not stated): gnomAD exomes below 0.00001; gnomAD 0.00001.
gnomAD v4.1: 3 of 1,589,074 alleles (0.00019%); highest among the groups gnomAD compares: East Asian, 0.0023%; no homozygotes.

Submission:

Labcorp Genetics (formerly Invitae), Labcorp
Classification: Uncertain significance. Last evaluated: 2021-05-16. Review status: criteria provided, single submitter. Criteria: Invitae Variant Classification Sherloc (09022015). Collection method: clinical testing. Allele origin: germline.
Comment: In summary, the available evidence is currently insufficient to determine the role of this variant in disease. Therefore, it has been classified as a Variant of Uncertain Significance. Algorithms developed to predict the effect of missense changes on protein structure and function are either unavailable or do not agree on the potential impact of this missense change (SIFT: "Tolerated"; PolyPhen-2: "Not Available"; Align-GVGD: "Class C0"). This variant has not been reported in the literature in individuals with ERCC6L2-related conditions. This variant is not present in population databases (ExAC no frequency). This sequence change replaces aspartic acid with glycine at codon 13 of the ERCC6L2 protein (p.Asp13Gly). The aspartic acid residue is weakly conserved and there is a moderate physicochemical difference between aspartic acid and glycine.